The following is an entry in ClinVar:

ClinVar aggregate classification (germline): Uncertain significance (1 of 4 stars; one submission).

gnomAD v4.1: 1 of 1,612,506 alleles (0.000062%); highest among the groups gnomAD compares: South Asian, 0.0011%; no homozygotes.

Submission:

Labcorp Genetics (formerly Invitae), Labcorp
Classification: Uncertain significance. Last evaluated: 2026-01-13. Review status: criteria provided, single submitter. Criteria: Invitae Variant Classification Sherloc (09022015). Collection method: clinical testing. Allele origin: germline.
Comment: This sequence change replaces alanine, which is neutral and non-polar, with glutamic acid, which is acidic and polar, at codon 1355 of the ALPK3 protein (p.Ala1355Glu). This variant is not present in population databases (gnomAD no frequency). This variant has not been reported in the literature in individuals affected with ALPK3-related conditions. ClinVar contains an entry for this variant (Variation ID: 2005113). Invitae Evidence Modeling of protein sequence and biophysical properties (such as structural, functional, and spatial information, amino acid conservation, physicochemical variation, residue mobility, and thermodynamic stability) indicates that this missense variant is expected to disrupt ALPK3 protein function with a positive predictive value of 80%. In summary, the available evidence is currently insufficient to determine the role of this variant in disease. Therefore, it has been classified as a Variant of Uncertain Significance.

NM_020778.5(ALPK3):c.3458C>A (p.Ala1153Glu)

Gene: ALPK3 (alpha kinase 3; plus strand). Cytogenetic location: 15q25.3.
Variant type: single nucleotide variant.
Coding change: c.3458C>A on transcript NM_020778.5 (MANE Select); coding-DNA position 3458, C replaced by A.
Protein change: p.Ala1153Glu; replaces alanine 1153 with glutamic acid.
Molecular consequence: missense variant.
Genome position (GRCh38, 1-based): chr15:84,858,196, C>A. VCF-style: chr15-84858196-C-A. GRCh37 (hg19) VCF-style: chr15-85401427-C-A.
Other names: short protein forms A1153E.
Identifiers: ClinVar variation 2005113 (VCV002005113.4), dbSNP rs2505722100, ClinGen allele CA393360308.